The following is an entry in ClinVar:

NM_001080.3(ALDH5A1):c.290A>G (p.Glu97Gly)

Genes: ALDH5A1 (aldehyde dehydrogenase 5 family member A1; plus strand), GPLD1 (glycosylphosphatidylinositol specific phospholipase D1; minus strand), LOC129995978 (ATAC-STARR-seq lymphoblastoid silent region 16989; plus strand). Cytogenetic location: 6p22.3.
Variant type: single nucleotide variant.
Coding change: c.290A>G on transcript NM_001080.3 (MANE Select); coding-DNA position 290, A replaced by G.
Protein change: p.Glu97Gly; replaces glutamic acid 97 with glycine.
Molecular consequence: missense variant.
Genome position (GRCh38, 1-based): chr6:24,495,286, A>G. VCF-style: chr6-24495286-A-G. GRCh37 (hg19) VCF-style: chr6-24495514-A-G.
Other names: c.290A>G, p.Glu97Gly (NM_001368954.1, NM_170740.1); short protein forms E97G.
Identifiers: ClinVar variation 1017029 (VCV001017029.8), dbSNP rs1479579407, ClinGen allele CA362968612.
Genomic context (GRCh38, chr6:24,495,286, plus strand): 5'-CCGTGCAAGACCCGGCCAGCGGCGCCGCTCTGGGCATGGTAGCCGACTGCGGGGTGCGAG[A>G]GGCCCGCGCCGCCGTGCGCGCTGCCTACGAGGCTTTCTGCCGCTGGAGGGAGGTCTCCGC-3'
Protein context (NP_001071.1, residues 87-107): LGMVADCGVR[Glu97Gly]ARAAVRAAYE

ClinVar aggregate classification (germline): Uncertain significance (1 of 4 stars; one submission).

Conditions:
Succinate-semialdehyde dehydrogenase deficiency (SSADHD). Also called: SSADH DEFICIENCY; GABA METABOLIC DEFECT; 4-HYDROXYBUTYRIC ACIDURIA; Succinic Semialdehyde Dehydrogenase Deficiency. Identifiers: Orphanet 22, MedGen C0268631, MONDO:0010083, OMIM 271980.

Allele frequency attached by ClinVar (database versions not stated): gnomAD exomes below 0.00001 and 0.00001.
gnomAD v4.1: 8 of 1,532,698 alleles (0.00052%); highest among the groups gnomAD compares: African/African-American, 0.0014%; no homozygotes.

Submission:

Labcorp Genetics (formerly Invitae), Labcorp
Classification: Uncertain significance for Succinate-semialdehyde dehydrogenase deficiency. Last evaluated: 2020-05-14. Review status: criteria provided, single submitter. Criteria: Invitae Variant Classification Sherloc (09022015). Collection method: clinical testing. Allele origin: germline.
Comment: In summary, the available evidence is currently insufficient to determine the role of this variant in disease. Therefore, it has been classified as a Variant of Uncertain Significance. Algorithms developed to predict the effect of missense changes on protein structure and function are either unavailable or do not agree on the potential impact of this missense change (SIFT: "Tolerated"; PolyPhen-2: "Benign"; Align-GVGD: "Class C0"). This variant has not been reported in the literature in individuals with ALDH5A1-related conditions. The frequency data for this variant in the population databases is considered unreliable, as metrics indicate insufficient coverage at this position in the ExAC database. This sequence change replaces glutamic acid with glycine at codon 97 of the ALDH5A1 protein (p.Glu97Gly). The glutamic acid residue is moderately conserved and there is a moderate physicochemical difference between glutamic acid and glycine.